The following is an entry in ClinVar:

NM_152564.5(VPS13B):c.4825A>G (p.Ile1609Val)

Gene: VPS13B (vacuolar protein sorting 13 homolog B; plus strand). Cytogenetic location: 8q22.2.
Variant type: single nucleotide variant.
Coding change: c.4825A>G on transcript NM_152564.5 (MANE Select); coding-DNA position 4825, A replaced by G.
Protein change: p.Ile1609Val; replaces isoleucine 1609 with valine.
Molecular consequence: missense variant.
Genome position (GRCh38, 1-based): chr8:99,556,529, A>G. VCF-style: chr8-99556529-A-G. GRCh37 (hg19) VCF-style: chr8-100568757-A-G.
Other names: c.4900A>G, p.Ile1634Val (NM_017890.5); short protein forms I1609V, I1634V.
Identifiers: ClinVar variation 3350578 (VCV003350578.1).

ClinVar aggregate classification (germline): Uncertain significance (0 of 4 stars; one submission).

Conditions:
VPS13B-related disorder. Also called: VPS13B-related condition.

Submission:

PreventionGenetics, part of Exact Sciences
Classification: Uncertain significance for VPS13B-related condition. Last evaluated: 2024-07-09. Review status: no assertion criteria provided. Collection method: clinical testing. Allele origin: germline.
Comment: The VPS13B c.4825A>G variant is predicted to result in the amino acid substitution p.Ile1609Val. To our knowledge, this variant has not been reported in the literature or in a large population database, indicating this variant is rare. At this time, the clinical significance of this variant is uncertain due to the absence of conclusive functional and genetic evidence.